The following is an entry in ClinVar:

NM_001035.3(RYR2):c.13687G>C (p.Glu4563Gln)

Gene: RYR2 (ryanodine receptor 2; plus strand). Cytogenetic location: 1q43.
Variant type: single nucleotide variant.
Coding change: c.13687G>C on transcript NM_001035.3 (MANE Select); coding-DNA position 13687, G replaced by C.
Protein change: p.Glu4563Gln; replaces glutamic acid 4563 with glutamine.
Molecular consequence: missense variant.
Genome position (GRCh38, 1-based): chr1:237,792,228, G>C. VCF-style: chr1-237792228-G-C. GRCh37 (hg19) VCF-style: chr1-237955528-G-C.
Other names: short protein forms E4563Q.
Identifiers: ClinVar variation 2010919 (VCV002010919.4), dbSNP rs2527920812, ClinGen allele CA345417520.
Genomic context (GRCh38, chr1:237,792,228, plus strand): 5'-AAAGTGACAAGCCTGGACAGCAGCTCCCATAGAATCATCGCAGTTCACTATGTACTAGAG[G>C]AGAGCAGCGGCTACATGGAGCCCACGTTGCGTATCTTAGCTATTCTGCACACGGTCATTT-3'
Protein context (NP_001026.2, residues 4553-4573): RIIAVHYVLE[Glu4563Gln]SSGYMEPTLR

ClinVar aggregate classification (germline): Uncertain significance (1 of 4 stars; one submission).

Conditions:
Catecholaminergic polymorphic ventricular tachycardia 1. Also called: RYR2-Related Catecholaminergic Polymorphic Ventricular Tachycardia; VENTRICULAR TACHYCARDIA, CATECHOLAMINERGIC POLYMORPHIC, 1, WITH OR WITHOUT ATRIAL DYSFUNCTION AND/OR DILATED CARDIOMYOPATHY; VENTRICULAR TACHYCARDIA, STRESS-INDUCED POLYMORPHIC 1. Identifiers: Orphanet 3286, MedGen C1631597, MONDO:0011484, OMIM 604772.

Submission:

Labcorp Genetics (formerly Invitae), Labcorp
Classification: Uncertain significance for Catecholaminergic polymorphic ventricular tachycardia 1. Last evaluated: 2023-06-02. Review status: criteria provided, single submitter. Criteria: Invitae Variant Classification Sherloc (09022015). Collection method: clinical testing. Allele origin: germline.
Comment: In summary, the available evidence is currently insufficient to determine the role of this variant in disease. Therefore, it has been classified as a Variant of Uncertain Significance. Advanced modeling of protein sequence and biophysical properties (such as structural, functional, and spatial information, amino acid conservation, physicochemical variation, residue mobility, and thermodynamic stability) performed at Invitae indicates that this missense variant is expected to disrupt RYR2 protein function. ClinVar contains an entry for this variant (Variation ID: 2010919). This variant has not been reported in the literature in individuals affected with RYR2-related conditions. This variant is not present in population databases (gnomAD no frequency). This sequence change replaces glutamic acid, which is acidic and polar, with glutamine, which is neutral and polar, at codon 4563 of the RYR2 protein (p.Glu4563Gln).